The following is an entry in ClinVar:

NM_001376.5(DYNC1H1):c.10820G>A (p.Arg3607His)

Gene: DYNC1H1 (dynein cytoplasmic 1 heavy chain 1; plus strand). Cytogenetic location: 14q32.31.
Variant type: single nucleotide variant.
Coding change: c.10820G>A on transcript NM_001376.5 (MANE Select); coding-DNA position 10820, G replaced by A.
Protein change: p.Arg3607His; replaces arginine 3607 with histidine.
Molecular consequence: missense variant.
Genome position (GRCh38, 1-based): chr14:102,036,554, G>A. VCF-style: chr14-102036554-G-A. GRCh37 (hg19) VCF-style: chr14-102502891-G-A.
Other names: short protein forms R3607H.
Identifiers: ClinVar variation 1402069 (VCV001402069.6), dbSNP rs1321841274, ClinGen allele CA391029784.

ClinVar aggregate classification (germline): Uncertain significance (1 of 4 stars; one submission).

Conditions:
Charcot-Marie-Tooth disease axonal type 2O. Also called: CHARCOT-MARIE-TOOTH NEUROPATHY, AXONAL, TYPE 2O; CHARCOT-MARIE-TOOTH DISEASE, AXONAL, AUTOSOMAL DOMINANT, TYPE 2O; Charcot-Marie-Tooth Neuropathy Type 2O; Charcot-Marie-Tooth disease, axonal, type 20. Identifiers: Orphanet 284232, MedGen C3280220, MONDO:0013644, OMIM 614228.

Allele frequency attached by ClinVar (database versions not stated): gnomAD exomes 0.00001.
gnomAD v4.1: 8 of 1,614,118 alleles (0.0005%); highest among the groups gnomAD compares: Admixed American, 0.0017%; no homozygotes.

Submission:

Labcorp Genetics (formerly Invitae), Labcorp
Classification: Uncertain significance for Charcot-Marie-Tooth disease axonal type 2O. Last evaluated: 2025-04-07. Review status: criteria provided, single submitter. Criteria: Invitae Variant Classification Sherloc (09022015). Collection method: clinical testing. Allele origin: germline.
Comment: This sequence change replaces arginine, which is basic and polar, with histidine, which is basic and polar, at codon 3607 of the DYNC1H1 protein (p.Arg3607His). This variant is present in population databases (no rsID available, gnomAD 0.003%). This variant has not been reported in the literature in individuals affected with DYNC1H1-related conditions. ClinVar contains an entry for this variant (Variation ID: 1402069). Invitae Evidence Modeling of protein sequence and biophysical properties (such as structural, functional, and spatial information, amino acid conservation, physicochemical variation, residue mobility, and thermodynamic stability) indicates that this missense variant is not expected to disrupt DYNC1H1 protein function with a negative predictive value of 95%. In summary, the available evidence is currently insufficient to determine the role of this variant in disease. Therefore, it has been classified as a Variant of Uncertain Significance.